The following is an entry in ClinVar:

NM_004655.4(AXIN2):c.955G>T (p.Val319Leu)

Gene: AXIN2 (axin 2; minus strand). Cytogenetic location: 17q24.1.
Variant type: single nucleotide variant.
Coding change: c.955G>T on transcript NM_004655.4 (MANE Select); coding-DNA position 955, G replaced by T.
Protein change: p.Val319Leu; replaces valine 319 with leucine.
Molecular consequence: missense variant.
Genome position (GRCh38, 1-based): chr17:65,549,521, C>A on the plus strand (G>T on the coding strand, the complement: AXIN2 is on the minus strand). VCF-style: chr17-65549521-C-A. GRCh37 (hg19) VCF-style: chr17-63545639-C-A.
Other names: c.955G>T, p.Val319Leu (NM_001363813.1); short protein forms V319L.
Identifiers: ClinVar variation 952269 (VCV000952269.10), dbSNP rs913060347, ClinGen allele CA400679416.

ClinVar aggregate classification (germline): Uncertain significance. Review status: criteria provided, multiple submitters, no conflicts (2 of 4 stars). 2 submissions from 2 submitters: Uncertain significance (2). Last evaluated 2024-01-12.

Conditions:
Oligodontia-cancer predisposition syndrome. Also called: TOOTH AGENESIS-COLORECTAL CANCER SYNDROME. Identifiers: Orphanet 300576, MedGen C1837750, MONDO:0012075, OMIM 608615. Disease mechanism: loss of function.
Hereditary cancer-predisposing syndrome. Also called: Tumor predisposition; Hereditary neoplastic syndrome; Neoplastic Syndromes, Hereditary; Hereditary Cancer Syndrome. Identifiers: Orphanet 140162, MedGen C0027672, MeSH D009386, MONDO:0015356.

Submissions (2):

Ambry Genetics
Classification: Uncertain significance for Hereditary cancer-predisposing syndrome. Last evaluated: 2024-01-12. Review status: criteria provided, single submitter. Criteria: Ambry Variant Classification Scheme 2023. Collection method: clinical testing. Allele origin: germline.
Comment: The p.V319L variant (also known as c.955G>T), located in coding exon 2 of the AXIN2 gene, results from a G to T substitution at nucleotide position 955. The valine at codon 319 is replaced by leucine, an amino acid with highly similar properties. This amino acid position is conserved. In addition, the in silico prediction for this alteration is inconclusive. Since supporting evidence is limited at this time, the clinical significance of this alteration remains unclear.

Labcorp Genetics (formerly Invitae), Labcorp
Classification: Uncertain significance for Oligodontia-cancer predisposition syndrome. Last evaluated: 2022-10-04. Review status: criteria provided, single submitter. Criteria: Invitae Variant Classification Sherloc (09022015). Collection method: clinical testing. Allele origin: germline.
Comment: This sequence change replaces valine, which is neutral and non-polar, with leucine, which is neutral and non-polar, at codon 319 of the AXIN2 protein (p.Val319Leu). In summary, the available evidence is currently insufficient to determine the role of this variant in disease. Therefore, it has been classified as a Variant of Uncertain Significance. Algorithms developed to predict the effect of missense changes on protein structure and function are either unavailable or do not agree on the potential impact of this missense change (SIFT: "Tolerated"; PolyPhen-2: "Possibly Damaging"; Align-GVGD: "Class C0"). ClinVar contains an entry for this variant (Variation ID: 952269). This variant has not been reported in the literature in individuals affected with AXIN2-related conditions. This variant is not present in population databases (gnomAD no frequency).